The following is an entry in ClinVar:

NM_006570.5(RRAGA):c.108C>G (p.Thr36=)

Gene: RRAGA (Ras related GTP binding A; plus strand). Cytogenetic location: 9p22.1.
Variant type: single nucleotide variant.
Coding change: c.108C>G on transcript NM_006570.5 (MANE Select); coding-DNA position 108, C replaced by G.
Protein change: p.Thr36=; no amino-acid change (threonine 36 retained).
Molecular consequence: synonymous variant.
Genome position (GRCh38, 1-based): chr9:19,049,767, C>G. VCF-style: chr9-19049767-C-G. GRCh37 (hg19) VCF-style: chr9-19049765-C-G.
Identifiers: ClinVar variation 4724963 (VCV004724963.1).

ClinVar aggregate classification (germline): Uncertain significance (1 of 4 stars; one submission).

Submission:

Labcorp Genetics (formerly Invitae), Labcorp
Classification: Uncertain significance. Last evaluated: 2025-08-20. Review status: criteria provided, single submitter. Criteria: Invitae Variant Classification Sherloc (09022015). Collection method: clinical testing. Allele origin: germline.
Comment: This sequence change affects codon 36 of the RRAGA mRNA. It is a 'silent' change, meaning that it does not change the encoded amino acid sequence of the RRAGA protein. This variant is present in population databases (rs147598725, gnomAD 0.003%). This variant has not been reported in the literature in individuals affected with RRAGA-related conditions. In summary, the available evidence is currently insufficient to determine the role of this variant in disease. Therefore, it has been classified as a Variant of Uncertain Significance.